The following is an entry in ClinVar:

ClinVar aggregate classification (germline): Conflicting classifications of pathogenicity. Review status: criteria provided, conflicting classifications (1 of 4 stars). 5 submissions from 5 submitters: Uncertain significance (4); Benign (1). Last evaluated 2025-09-09.

Conditions:
Hereditary cancer-predisposing syndrome. Also called: Hereditary neoplastic syndrome; Hereditary Cancer Syndrome; Neoplastic Syndromes, Hereditary; Tumor predisposition. Identifiers: Orphanet 140162, MedGen C0027672, MeSH D009386, MONDO:0015356.
Familial adenomatous polyposis 2. Also called: MYH-associated polyposis; COLORECTAL ADENOMATOUS POLYPOSIS, AUTOSOMAL RECESSIVE; ADENOMAS, MULTIPLE COLORECTAL, AUTOSOMAL RECESSIVE; MUTYH-related attenuated familial adenomatous polyposis; Adenomas, multiple colorectal; FAP type 2. Identifiers: Orphanet 220460, Orphanet 247798, MedGen C3272841, MONDO:0012041, OMIM 608456.

Allele frequency attached by ClinVar (database versions not stated): gnomAD exomes below 0.00001.

Submissions (5):

Ambry Genetics
Classification: Benign for Hereditary cancer-predisposing syndrome. Last evaluated: 2025-09-09. Review status: criteria provided, single submitter. Criteria: Ambry Variant Classification Scheme 2023. Collection method: clinical testing. Allele origin: germline.

Labcorp Genetics (formerly Invitae), Labcorp
Classification: Uncertain significance for Familial adenomatous polyposis 2. Last evaluated: 2025-08-04. Review status: criteria provided, single submitter. Criteria: Invitae Variant Classification Sherloc (09022015). Collection method: clinical testing. Allele origin: germline.
Comment: This sequence change replaces proline, which is neutral and non-polar, with leucine, which is neutral and non-polar, at codon 522 of the MUTYH protein (p.Pro522Leu). This variant is not present in population databases (gnomAD no frequency). This variant has not been reported in the literature in individuals affected with MUTYH-related conditions. ClinVar contains an entry for this variant (Variation ID: 490034). An algorithm developed to predict the effect of missense changes on protein structure and function outputs the following: PolyPhen-2: "Benign". The leucine amino acid residue is found in multiple mammalian species, which suggests that this missense change does not adversely affect protein function. In summary, the available evidence is currently insufficient to determine the role of this variant in disease. Therefore, it has been classified as a Variant of Uncertain Significance.

All of Us Research Program, National Institutes of Health
Classification: Uncertain significance for Familial adenomatous polyposis 2. Last evaluated: 2023-10-27. Review status: criteria provided, single submitter. Criteria: ACMG Guidelines, 2015. Collection method: clinical testing. Allele origin: germline. Inheritance: Autosomal recessive inheritance. Observed: 1 variant allele, 1 heterozygote.
Comment: This study involves interpretation of variants in research participants for the purpose of population health screening. Participant phenotype was not available at the time of variant classification. Additional details can be found in publication PMID: 35346344, PMCID: PMC8962531

Baylor Genetics
Classification: Uncertain significance for Familial adenomatous polyposis 2. Last evaluated: 2023-06-09. Review status: criteria provided, single submitter. Criteria: ACMG Guidelines, 2015. Collection method: clinical testing. Allele origin: unknown.

Color Diagnostics, LLC DBA Color Health
Classification: Uncertain significance for Hereditary cancer-predisposing syndrome. Last evaluated: 2019-06-29. Review status: criteria provided, single submitter. Criteria: ACMG Guidelines, 2015. Collection method: clinical testing. Allele origin: germline.

NM_001048174.2(MUTYH):c.1481C>T (p.Pro494Leu)

Gene: MUTYH (mutY DNA glycosylase; minus strand). Cytogenetic location: 1p34.1.
Variant type: single nucleotide variant.
Coding change: c.1481C>T on transcript NM_001048174.2 (MANE Select); coding-DNA position 1481, C replaced by T.
Protein change: p.Pro494Leu; replaces proline 494 with leucine.
Molecular consequence: missense variant. On other transcripts: non-coding transcript variant (2).
Genome position (GRCh38, 1-based): chr1:45,329,391, G>A on the plus strand (C>T on the coding strand, the complement: MUTYH is on the minus strand). VCF-style: chr1-45329391-G-A. GRCh37 (hg19) VCF-style: chr1-45795063-G-A.
Other names: c.1481C>T, p.Pro494Leu (NM_001048171.2, NM_001048173.2, NM_001293195.2); c.1484C>T, p.Pro495Leu (NM_001048172.2); c.1565C>T, p.Pro522Leu (NM_001128425.2); c.1526C>T, p.Pro509Leu (NM_001293190.2); c.1514C>T, p.Pro505Leu (NM_001293191.2); c.1205C>T, p.Pro402Leu (NM_001293192.2, NM_001293196.2); c.1136C>T, p.Pro379Leu (NM_001350650.2, NM_001350651.2); c.1556C>T, p.Pro519Leu (NM_012222.3); short protein forms P522L, P379L, P402L, P495L, P509L, P519L, P494L, P505L.
Identifiers: ClinVar variation 490034 (VCV000490034.18), dbSNP rs1553122949, ClinGen allele CA340131776.